The following is an entry in ClinVar:

NM_001267550.2(TTN):c.95335A>C (p.Ile31779Leu)

Genes: TTN-AS1 (TTN antisense RNA 1; plus strand), TTN (titin; minus strand). Cytogenetic location: 2q31.2.
Variant type: single nucleotide variant.
Coding change: c.95335A>C on transcript NM_001267550.2 (MANE Select); coding-DNA position 95335, A replaced by C.
Protein change: p.Ile31779Leu; replaces isoleucine 31779 with leucine.
Molecular consequence: missense variant.
Genome position (GRCh38, 1-based): chr2:178,545,901, T>G on the plus strand (A>C on the coding strand, the complement: TTN is on the minus strand). VCF-style: chr2-178545901-T-G. GRCh37 (hg19) VCF-style: chr2-179410628-T-G.
Other names: c.90412A>C, p.Ile30138Leu (NM_001256850.1); c.68140A>C, p.Ile22714Leu (NM_003319.4); c.87631A>C, p.Ile29211Leu (NM_133378.4); c.68515A>C, p.Ile22839Leu (NM_133432.3); c.68716A>C, p.Ile22906Leu (NM_133437.4); short protein forms I22714L, I31779L, I22906L, I22839L, I30138L, I29211L.
Identifiers: ClinVar variation 264170 (VCV000264170.11), dbSNP rs886039071, ClinGen allele CA10587453.
Genomic context (GRCh38, chr2:178,545,901, plus strand): 5'-TTGGCTCTGATTCAACAGGCACACCAGGGCCATATTTGTTTACTGCCCTCACTCGGAATA[T>G]GTACTCATTGTTCTTGATGAGCCTGGTAACGACATAGGATAGGGTTGGGCATTCGCCTTC-3'
Protein context (NP_001254479.2, residues 31769-31789): VTRLIKNNEY[Ile31779Leu]FRVRAVNKYG

ClinVar aggregate classification (germline): Uncertain significance. Review status: criteria provided, multiple submitters, no conflicts (2 of 4 stars). 2 submissions from 2 submitters: Uncertain significance (2). Last evaluated 2025-02-17.

Conditions:
Cardiovascular phenotype. Identifiers: MedGen CN230736.
Dilated cardiomyopathy 1G (CMD1G). Identifiers: Orphanet 154, MedGen C1858763, MONDO:0011400, OMIM 604145.
Autosomal recessive limb-girdle muscular dystrophy type 2J (LGMDR10). Also called: MUSCULAR DYSTROPHY, LIMB-GIRDLE, AUTOSOMAL RECESSIVE 10; Limb-girdle muscular dystrophy, type 2J. Identifiers: Orphanet 140922, MedGen C1837342, MONDO:0012127, OMIM 608807.

Submissions (2):

Labcorp Genetics (formerly Invitae), Labcorp
Classification: Uncertain significance for Dilated cardiomyopathy 1G; Autosomal recessive limb-girdle muscular dystrophy type 2J. Last evaluated: 2025-02-17. Review status: criteria provided, single submitter. Criteria: Invitae Variant Classification Sherloc (09022015). Collection method: clinical testing. Allele origin: germline.
Comment: This sequence change replaces isoleucine, which is neutral and non-polar, with leucine, which is neutral and non-polar, at codon 31779 of the TTN protein (p.Ile31779Leu). This variant is not present in population databases (gnomAD no frequency). This variant has not been reported in the literature in individuals affected with TTN-related conditions. ClinVar contains an entry for this variant (Variation ID: 264170). Experimental studies and prediction algorithms are not available or were not evaluated, and the functional significance of this variant is currently unknown. This variant is located in the A band of TTN (PMID: 25589632). Variants in this region may be relevant for cardiac or neuromuscular disorders (PMID: 25589632, 23975875). In summary, the available evidence is currently insufficient to determine the role of this variant in disease. Therefore, it has been classified as a Variant of Uncertain Significance.

Ambry Genetics
Classification: Uncertain significance for Cardiovascular phenotype. Last evaluated: 2020-05-21. Review status: criteria provided, single submitter. Criteria: Ambry Variant Classification Scheme 2023. Collection method: clinical testing. Allele origin: germline.
Comment: The p.I22714L variant (also known as c.68140A>C), located in coding exon 170 of the TTN gene, results from an A to C substitution at nucleotide position 68140. The isoleucine at codon 22714 is replaced by leucine, an amino acid with highly similar properties. This amino acid position is not well conserved in available vertebrate species. In addition, this alteration is predicted to be tolerated by in silico analysis. Since supporting evidence is limited at this time, the clinical significance of this variant remains unclear.

Literature cited by the submitters: PubMed 25589632 (cited by Labcorp Genetics (formerly Invitae), Labcorp); PubMed 23975875 (cited by Labcorp Genetics (formerly Invitae), Labcorp).